The following is an entry in ClinVar:

ClinVar aggregate classification (germline): Uncertain significance (1 of 4 stars; one submission).

Allele frequency attached by ClinVar (database versions not stated): TOPMed below 0.00001; gnomAD exomes 0.00003.
gnomAD v4.1: 40 of 1,614,084 alleles (0.0025%); highest among the groups gnomAD compares: Non-Finnish European, 0.0033%; no homozygotes.

Submission:

Ambry Genetics
Classification: Uncertain significance. Last evaluated: 2021-11-22. Review status: criteria provided, single submitter. Criteria: Ambry Variant Classification Scheme 2023. Collection method: clinical testing. Allele origin: germline.
Comment: The p.Q394R variant (also known as c.1181A>G), located in coding exon 12 of the PRKDC gene, results from an A to G substitution at nucleotide position 1181. The glutamine at codon 394 is replaced by arginine, an amino acid with highly similar properties. This amino acid position is conserved. In addition, the in silico prediction for this alteration is inconclusive. Since supporting evidence is limited at this time, the clinical significance of this alteration remains unclear.

NM_006904.7(PRKDC):c.1181A>G (p.Gln394Arg)

Gene: PRKDC (protein kinase, DNA-activated, catalytic subunit; minus strand). Cytogenetic location: 8q11.21.
Variant type: single nucleotide variant.
Coding change: c.1181A>G on transcript NM_006904.7 (MANE Select); coding-DNA position 1181, A replaced by G.
Protein change: p.Gln394Arg; replaces glutamine 394 with arginine.
Molecular consequence: missense variant.
Genome position (GRCh38, 1-based): chr8:47,936,450, T>C on the plus strand (A>G on the coding strand, the complement: PRKDC is on the minus strand). VCF-style: chr8-47936450-T-C. GRCh37 (hg19) VCF-style: chr8-48849010-T-C.
Other names: c.1181A>G, p.Gln394Arg (NM_001081640.2); short protein forms Q394R.
Identifiers: ClinVar variation 1742257 (VCV001742257.2), dbSNP rs2090353803, ClinGen allele CA371166249.